The following is an entry in ClinVar:

NM_000138.5(FBN1):c.3392A>G (p.Asn1131Ser)

Gene: FBN1 (fibrillin 1; minus strand). Cytogenetic location: 15q21.1.
Variant type: single nucleotide variant.
Coding change: c.3392A>G on transcript NM_000138.5 (MANE Select); coding-DNA position 3392, A replaced by G.
Protein change: p.Asn1131Ser; replaces asparagine 1131 with serine.
Molecular consequence: missense variant.
Genome position (GRCh38, 1-based): chr15:48,487,383, T>C on the plus strand (A>G on the coding strand, the complement: FBN1 is on the minus strand). VCF-style: chr15-48487383-T-C. GRCh37 (hg19) VCF-style: chr15-48779580-T-C.
Other names: short protein forms N1131S.
Identifiers: ClinVar variation 42332 (VCV000042332.4), dbSNP rs397515790, ClinGen allele CA014058.

ClinVar aggregate classification (germline): Likely pathogenic (1 of 4 stars; one submission).

Conditions:
Marfan syndrome (MFS). Also called: FBN1-Related Marfan Syndrome; Marfan syndrome, classic; MARFAN SYNDROME, TYPE I; Marfan syndrome type 1; Marfan's syndrome. Identifiers: Orphanet 284963, Orphanet 558, MedGen C0024796, MONDO:0007947, OMIM 154700.

Submission:

Laboratory for Molecular Medicine, Mass General Brigham Personalized Medicine
Classification: Likely pathogenic for Marfan syndrome. Last evaluated: 2017-05-18. Review status: criteria provided, single submitter. Criteria: LMM Criteria. Collection method: clinical testing. Allele origin: germline. Inheritance: Autosomal dominant inheritance. Observed: 3 variant alleles.
Comment: It has not been identified in large population studies. Additional amino acid changes at t his position (p.Asn1131Tyr, p.Asn1131Lys) were identified in at least 2 individu als with Marfan syndrome (Godfrey 1995, Wang 1997, Stheneur 2009). In vitro func tional studies provide some evidence that the p.Asn1131Ser variant may result in a protein folding defect (Whiteman 2007); however, this in vitro assay may not accurately represent biological function. Computational prediction tools and con servation analyses suggest that the p.Asn1131Ser variant may impact the protein, though this information is not predictive enough to determine pathogenicity. In summary, although additional studies are required to fully establish its clinic al significance, the p.Asn1131Ser variant is likely pathogenic.

Literature cited by the submitters: PubMed 17324963; PubMed 9101298; PubMed 7778680; PubMed 12511552; PubMed 24793577; PubMed 19293843.